The following is an entry in ClinVar:

NM_004586.3(RPS6KA3):c.608A>G (p.Glu203Gly)

Gene: RPS6KA3 (ribosomal protein S6 kinase A3; minus strand). Cytogenetic location: Xp22.12.
Variant type: single nucleotide variant.
Coding change: c.608A>G on transcript NM_004586.3 (MANE Select); coding-DNA position 608, A replaced by G.
Protein change: p.Glu203Gly; replaces glutamic acid 203 with glycine.
Molecular consequence: missense variant.
Genome position (GRCh38, 1-based): chrX:20,188,520, T>C on the plus strand (A>G on the coding strand, the complement: RPS6KA3 is on the minus strand). VCF-style: chrX-20188520-T-C. GRCh37 (hg19) VCF-style: chrX-20206638-T-C.
Other names: short protein forms E203G.
Identifiers: ClinVar variation 2506736 (VCV002506736.1), dbSNP rs2519735896, ClinGen allele CA412508902.

ClinVar aggregate classification (germline): Uncertain significance (1 of 4 stars; one submission).

Submission:

GeneDx
Classification: Uncertain significance. Last evaluated: 2022-12-23. Review status: criteria provided, single submitter. Criteria: GeneDx Variant Classification Process June 2021. Collection method: clinical testing. Allele origin: germline. Affected: yes.
Comment: Not observed at significant frequency in large population cohorts (gnomAD); In silico analysis supports that this missense variant has a deleterious effect on protein structure/function; Has not been previously published as pathogenic or benign to our knowledge